The following is an entry in ClinVar:

ClinVar aggregate classification (germline): Uncertain significance (1 of 4 stars; one submission).

Submission:

Ambry Genetics
Classification: Uncertain significance. Last evaluated: 2023-07-27. Review status: criteria provided, single submitter. Criteria: Ambry Variant Classification Scheme 2023. Collection method: clinical testing. Allele origin: germline.
Comment: The p.C1078R variant (also known as c.3232T>C), located in coding exon 16 of the POLQ gene, results from a T to C substitution at nucleotide position 3232. The cysteine at codon 1078 is replaced by arginine, an amino acid with highly dissimilar properties. This amino acid position is conserved. In addition, this alteration is predicted to be tolerated by in silico analysis. Since supporting evidence is limited at this time, the clinical significance of this alteration remains unclear.

NM_199420.4(POLQ):c.3232T>C (p.Cys1078Arg)

Gene: POLQ (DNA polymerase theta; minus strand). Cytogenetic location: 3q13.33.
Variant type: single nucleotide variant.
Coding change: c.3232T>C on transcript NM_199420.4 (MANE Select); coding-DNA position 3232, T replaced by C.
Protein change: p.Cys1078Arg; replaces cysteine 1078 with arginine.
Molecular consequence: missense variant.
Genome position (GRCh38, 1-based): chr3:121,489,699, A>G on the plus strand (T>C on the coding strand, the complement: POLQ is on the minus strand). VCF-style: chr3-121489699-A-G. GRCh37 (hg19) VCF-style: chr3-121208546-A-G.
Other names: short protein forms C1078R.
Identifiers: ClinVar variation 2625849 (VCV002625849.2), dbSNP rs2546787641, ClinGen allele CA354101120.
Genomic context (GRCh38, chr3:121,489,699, plus strand): 5'-CAAATGGCCCTGAATTTCTAAATTCCGTTTTCTTCTCATCTAAGGTAAACGGGTCTTCAC[A>G]AAGACTAGGATTAGACAGAGTCTGTCCTTGTAAATGGATTCTACACGCTCCAGAGTCTTT-3'
Protein context (NP_955452.3, residues 1068-1088): QGQTLSNPSL[Cys1078Arg]EDPFTLDEKK